The following is an entry in ClinVar:

ClinVar aggregate classification (germline): Uncertain significance (1 of 4 stars; one submission).

Conditions:
Inborn genetic diseases. Identifiers: MedGen C0950123, MeSH D030342.

gnomAD v4.1: 12 of 1,563,482 alleles (0.00077%); highest among the groups gnomAD compares: Non-Finnish European, 0.001%; no homozygotes.

Submission:

Ambry Genetics
Classification: Uncertain significance for Inborn genetic diseases. Last evaluated: 2026-05-13. Review status: criteria provided, single submitter. Criteria: Ambry Variant Classification Scheme 2023. Collection method: clinical testing. Allele origin: germline.
Comment: The c.338A>T (p.D113V) alteration is located in exon 1 (coding exon 1) of the NEFH gene. This alteration results from a A to T substitution at nucleotide position 338, causing the aspartic acid (D) at amino acid position 113 to be replaced by a valine (V). Based on data from gnomAD, the T allele has an overall frequency of <0.001% (0/169684) total alleles studied. The highest observed frequency was <0.001% (/) of alleles. Based on insufficient or conflicting evidence, the clinical significance of this alteration remains unclear.

NM_021076.4(NEFH):c.338A>T (p.Asp113Val)

Gene: NEFH (neurofilament heavy chain; plus strand). Cytogenetic location: 22q12.2.
Variant type: single nucleotide variant.
Coding change: c.338A>T on transcript NM_021076.4 (MANE Select); coding-DNA position 338, A replaced by T.
Protein change: p.Asp113Val; replaces aspartic acid 113 with valine.
Molecular consequence: missense variant.
Genome position (GRCh38, 1-based): chr22:29,480,600, A>T. VCF-style: chr22-29480600-A-T. GRCh37 (hg19) VCF-style: chr22-29876589-A-T.
Other names: short protein forms D113V.
Identifiers: ClinVar variation 4860806 (VCV004860806.1).
Genomic context (GRCh38, chr22:29,480,600, plus strand): 5'-CCTCACGCAGTGAGAAGGAGCAGCTGCAGGCGCTGAACGACCGCTTCGCCGGGTACATCG[A>T]CAAGGTGCGGCAGCTGGAGGCGCACAACCGCAGCCTGGAGGGCGAGGCTGCGGCGCTGCG-3'
Protein context (NP_066554.2, residues 103-123): ALNDRFAGYI[Asp113Val]KVRQLEAHNR